The following is an entry in ClinVar:

ClinVar aggregate classification (germline): Uncertain significance. Review status: criteria provided, multiple submitters, no conflicts (2 of 4 stars). 2 submissions from 2 submitters: Uncertain significance (2). Last evaluated 2025-06-12.

Conditions:
Renal hypomagnesemia 4. Also called: HYPOMAGNESEMIA, RENAL, NORMOCALCIURIC. Identifiers: Orphanet 34527, MedGen C2673648, MONDO:0012717, OMIM 611718.

Allele frequency attached by ClinVar (database versions not stated): ExAC 0.00001; gnomAD exomes 0.00001 and 0.00002; gnomAD 0.00005 and 0.00006; TOPMed 0.00006.
gnomAD v4.1: 31 of 1,613,806 alleles (0.0019%); highest among the groups gnomAD compares: African/African-American, 0.028%; no homozygotes.

Submissions (2):

Labcorp Genetics (formerly Invitae), Labcorp
Classification: Uncertain significance. Last evaluated: 2025-06-12. Review status: criteria provided, single submitter. Criteria: Invitae Variant Classification Sherloc (09022015). Collection method: clinical testing. Allele origin: germline.
Comment: This sequence change replaces arginine, which is basic and polar, with glutamine, which is neutral and polar, at codon 351 of the EGF protein (p.Arg351Gln). This variant is present in population databases (rs200099199, gnomAD 0.02%). This variant has not been reported in the literature in individuals affected with EGF-related conditions. ClinVar contains an entry for this variant (Variation ID: 1384032). An algorithm developed to predict the effect of missense changes on protein structure and function (PolyPhen-2) suggests that this variant is likely to be tolerated. In summary, the available evidence is currently insufficient to determine the role of this variant in disease. Therefore, it has been classified as a Variant of Uncertain Significance.

Fulgent Genetics
Classification: Uncertain significance for Renal hypomagnesemia 4. Last evaluated: 2021-12-07. Review status: criteria provided, single submitter. Criteria: ACMG Guidelines, 2015. Collection method: clinical testing. Allele origin: unknown.

NM_001963.6(EGF):c.1052G>A (p.Arg351Gln)

Gene: EGF (epidermal growth factor; plus strand). Cytogenetic location: 4q25.
Variant type: single nucleotide variant.
Coding change: c.1052G>A on transcript NM_001963.6 (MANE Select); coding-DNA position 1052, G replaced by A.
Protein change: p.Arg351Gln; replaces arginine 351 with glutamine.
Molecular consequence: missense variant. On other transcripts: intron variant (2).
Genome position (GRCh38, 1-based): chr4:109,959,423, G>A. VCF-style: chr4-109959423-G-A. GRCh37 (hg19) VCF-style: chr4-110880579-G-A.
Other names: c.1052G>A, p.Arg351Gln (NM_001178130.3); c.941-1444G>A (NM_001178131.3, NM_001357021.2); short protein forms R351Q.
Identifiers: ClinVar variation 1384032 (VCV001384032.7), dbSNP rs200099199, ClinGen allele CA3043554.
Genomic context (GRCh38, chr4:109,959,423, plus strand): 5'-GGCAAGACCTCCAGTCACACTTGTGCATGTGTGCAGAGGGATACGCCCTAAGTCGAGACC[G>A]GAAGTACTGTGAAGGTAATGACTGGAAGTACTGTGAAGGTAATGGAAGAGTCGCTGCTTG-3'
Protein context (NP_001954.2, residues 341-361): CAEGYALSRD[Arg351Gln]KYCEDVNECA